The following is an entry in ClinVar:

ClinVar aggregate classification (germline): Uncertain significance. Review status: criteria provided, multiple submitters, no conflicts (2 of 4 stars). 2 submissions from 2 submitters: Uncertain significance (2). Last evaluated 2025-08-01.

gnomAD v4.1: 36 of 1,613,636 alleles (0.0022%); highest among the groups gnomAD compares: East Asian, 0.011%; no homozygotes.

Submissions (2):

Ambry Genetics
Classification: Uncertain significance. Last evaluated: 2025-08-01. Review status: criteria provided, single submitter. Criteria: Ambry Variant Classification Scheme 2023. Collection method: clinical testing. Allele origin: germline.

Labcorp Genetics (formerly Invitae), Labcorp
Classification: Uncertain significance. Last evaluated: 2025-02-19. Review status: criteria provided, single submitter. Criteria: Invitae Variant Classification Sherloc (09022015). Collection method: clinical testing. Allele origin: germline.
Comment: This sequence change replaces arginine, which is basic and polar, with histidine, which is basic and polar, at codon 713 of the KIF23 protein (p.Arg713His). This variant is present in population databases (rs370717019, gnomAD 0.01%). This variant has not been reported in the literature in individuals affected with KIF23-related conditions. An algorithm developed to predict the effect of missense changes on protein structure and function (PolyPhen-2) suggests that this variant is likely to be tolerated. In summary, the available evidence is currently insufficient to determine the role of this variant in disease. Therefore, it has been classified as a Variant of Uncertain Significance.

NM_001367805.3(KIF23):c.2180G>A (p.Arg727His)

Gene: KIF23 (kinesin family member 23; plus strand). Cytogenetic location: 15q23.
Variant type: single nucleotide variant.
Coding change: c.2180G>A on transcript NM_001367805.3 (MANE Select); coding-DNA position 2180, G replaced by A.
Protein change: p.Arg727His; replaces arginine 727 with histidine.
Molecular consequence: missense variant. On other transcripts: non-coding transcript variant (1), intron variant (1).
Genome position (GRCh38, 1-based): chr15:69,440,838, G>A. VCF-style: chr15-69440838-G-A. GRCh37 (hg19) VCF-style: chr15-69733177-G-A.
Other names: c.1808G>A, p.Arg603His (NM_001281301.2); c.2138G>A, p.Arg713His (NM_001367804.2, NM_138555.4); c.2067+351G>A (NM_004856.7); c.2138G>A (NM_138555.2); short protein forms R727H, R713H, R603H.
Identifiers: ClinVar variation 3716718 (VCV003716718.3).